The following is an entry in ClinVar:

NM_001267550.2(TTN):c.104477A>G (p.Gln34826Arg)

Genes: TTN-AS1 (TTN antisense RNA 1; plus strand), TTN (titin; minus strand). Cytogenetic location: 2q31.2.
Variant type: single nucleotide variant.
Coding change: c.104477A>G on transcript NM_001267550.2 (MANE Select); coding-DNA position 104477, A replaced by G.
Protein change: p.Gln34826Arg; replaces glutamine 34826 with arginine.
Molecular consequence: missense variant.
Genome position (GRCh38, 1-based): chr2:178,532,138, T>C on the plus strand (A>G on the coding strand, the complement: TTN is on the minus strand). VCF-style: chr2-178532138-T-C. GRCh37 (hg19) VCF-style: chr2-179396865-T-C.
Other names: c.99554A>G, p.Gln33185Arg (NM_001256850.1); c.77282A>G, p.Gln25761Arg (NM_003319.4); c.96773A>G, p.Gln32258Arg (NM_133378.4); c.77657A>G, p.Gln25886Arg (NM_133432.3); c.77858A>G, p.Gln25953Arg (NM_133437.4); short protein forms Q25761R, Q25886R, Q25953R, Q32258R, Q33185R, Q34826R.
Identifiers: ClinVar variation 1053154 (VCV001053154.7), dbSNP rs2154134073, ClinGen allele CA349411620.
Genomic context (GRCh38, chr2:178,532,138, plus strand): 5'-GTTGGAGACAGGGAGCGCCGTCGTCTCAGTAGTCTAGACGCAGATGAGGATGATTCTCTT[T>C]GAGCATGTTTTGAGATTTCGTATTCTTCCTCAATTTCTGTTATTTCTGTCACTTCTCTTT-3'
Protein context (NP_001254479.2, residues 34816-34836): EEEYEISKHA[Gln34826Arg]RESSSSASRL

ClinVar aggregate classification (germline): Uncertain significance (1 of 4 stars; one submission).

Conditions:
Dilated cardiomyopathy 1G (CMD1G). Identifiers: Orphanet 154, MedGen C1858763, MONDO:0011400, OMIM 604145.
Autosomal recessive limb-girdle muscular dystrophy type 2J (LGMDR10). Also called: Limb-girdle muscular dystrophy, type 2J; MUSCULAR DYSTROPHY, LIMB-GIRDLE, AUTOSOMAL RECESSIVE 10. Identifiers: Orphanet 140922, MedGen C1837342, MONDO:0012127, OMIM 608807.

Submission:

Labcorp Genetics (formerly Invitae), Labcorp
Classification: Uncertain significance for Dilated cardiomyopathy 1G; Autosomal recessive limb-girdle muscular dystrophy type 2J. Last evaluated: 2020-07-13. Review status: criteria provided, single submitter. Criteria: Invitae Variant Classification Sherloc (09022015). Collection method: clinical testing. Allele origin: germline.
Comment: Algorithms developed to predict the effect of missense changes on protein structure and function are unavailable for the TTN gene. This variant is located in the M band of TTN (PMID: 25589632). Variants in this region may be relevant for neuromuscular disorders, but have not been definitively shown to cause cardiomyopathy (PMID: 23975875). In summary, the available evidence is currently insufficient to determine the role of this variant in disease. Therefore, it has been classified as a Variant of Uncertain Significance. This variant has not been reported in the literature in individuals with TTN-related conditions. This variant is not present in population databases (ExAC no frequency). This sequence change replaces glutamine with arginine at codon 34826 of the TTN protein (p.Gln34826Arg). There is a small physicochemical difference between glutamine and arginine.

Literature cited by the submitters: PubMed 25589632; PubMed 23975875.